The following is an entry in ClinVar:

ClinVar aggregate classification (germline): Pathogenic. Review status: criteria provided, multiple submitters, no conflicts (2 of 4 stars). 4 submissions from 4 submitters: Pathogenic (3). 1 of the submissions does not count toward it. Last evaluated 2023-04-12.

Conditions:
Marfan syndrome (MFS). Also called: MARFAN SYNDROME, TYPE I; FBN1-Related Marfan Syndrome; Marfan syndrome, classic; Marfan syndrome type 1; Marfan's syndrome. Identifiers: Orphanet 284963, Orphanet 558, MedGen C0024796, MONDO:0007947, OMIM 154700.
Familial thoracic aortic aneurysm and aortic dissection (TAAD). Also called: Thoracic aortic aneurysms and dissections. Identifiers: Orphanet 91387, MedGen C4707243, MONDO:0019625.
FBN1-related disorder. Also called: FBN1-related disorders.

Submissions (4):

Labcorp Genetics (formerly Invitae), Labcorp
Classification: Pathogenic for Marfan syndrome; Familial thoracic aortic aneurysm and aortic dissection. Last evaluated: 2023-04-12. Review status: criteria provided, single submitter. Criteria: Invitae Variant Classification Sherloc (09022015). Collection method: clinical testing. Allele origin: germline.
Comment: For these reasons, this variant has been classified as Pathogenic. This variant disrupts the p.Cys2592 amino acid residue in FBN1. Other variant(s) that disrupt this residue have been observed in individuals with FBN1-related conditions (PMID: 16222657, 31730815; Invitae), which suggests that this may be a clinically significant amino acid residue. This variant affects a cysteine residue in the EGF-like, TGFBP or hybrid motif domains of FBN1. Cysteine residues are believed to be involved in intramolecular disulfide bridges and have been shown to be important for FBN1 protein structure (PMID: 16905551, 19349279). In addition, missense substitutions affecting cysteine residues within these domains are significantly overrepresented among patients with Marfan syndrome (PMID: 16571647, 17701892). Advanced modeling of protein sequence and biophysical properties (such as structural, functional, and spatial information, amino acid conservation, physicochemical variation, residue mobility, and thermodynamic stability) performed at Invitae indicates that this missense variant is expected to disrupt FBN1 protein function. ClinVar contains an entry for this variant (Variation ID: 200120). This missense change has been observed in individual(s) with clinical features of Marfan syndrome (Invitae). This variant is not present in population databases (gnomAD no frequency). This sequence change replaces cysteine, which is neutral and slightly polar, with tyrosine, which is neutral and polar, at codon 2592 of the FBN1 protein (p.Cys2592Tyr).

Ambry Genetics
Classification: Pathogenic for Familial thoracic aortic aneurysm and aortic dissection. Last evaluated: 2021-03-23. Review status: criteria provided, single submitter. Criteria: Ambry Variant Classification Scheme 2023. Collection method: clinical testing. Allele origin: germline.
Comment: The p.C2592Y pathogenic mutation (also known as c.7775G>A), located in coding exon 62 of the FBN1 gene, results from a G to A substitution at nucleotide position 7775. The cysteine at codon 2592 is replaced by tyrosine, an amino acid with highly dissimilar properties, and is located in the cbEGF-like #41 domain. The majority of FBN1 mutations identified to date have involved the substitution or generation of cysteine residues within cbEGF domains (Vollbrandt T et al. J Biol Chem. 2004;279(31):32924-32931). Based on internal structural assessment, this alteration eliminates a structurally critical disulfide bond in the structurally sensitive EGF/cbEGF domain #41. This alteration has been reported in association with Marfan syndrome (Baudhuin LM et al. Eur J Hum Genet, 2019 10;27:1550-1560). Based on the supporting evidence, this alteration is interpreted as a disease-causing mutation.

GeneDx
Classification: Pathogenic. Last evaluated: 2020-09-22. Review status: criteria provided, single submitter. Criteria: GeneDx Variant Classification Process June 2021. Collection method: clinical testing. Allele origin: germline. Affected: yes.
Comment: Introduces a new cysteine residue within a calcium-binding EGF-like domain of the FBN1 gene, which may affect disulfide bonding and is predicted to alter the structure and function of the protein; cysteine substitutions in the calcium-binding EGF-like domains represent the majority of pathogenic missense changes associated with FBN1-related disorders (Collod-Beroud et al., 2003); Not observed in large population cohorts (Lek et al., 2016); In silico analysis supports that this missense variant has a deleterious effect on protein structure/function; In-silico analysis, which includes splice predictors and evolutionary conservation, is inconclusive as to whether the variant alters gene splicing. In the absence of RNA/functional studies, the actual effect of this sequence change is unknown.

PreventionGenetics, part of Exact Sciences
Classification: Likely pathogenic for FBN1-related condition. Last evaluated: 2024-01-25. Review status: no assertion criteria provided. Collection method: clinical testing. Allele origin: germline. Not counted in ClinVar's aggregate classification.
Comment: The FBN1 c.7775G>A variant is predicted to result in the amino acid substitution p.Cys2592Tyr. This variant was documented as pathogenic in a study referring to the classification in ClinVar database (Table S1, Baudhuin et al. 2019. PubMed ID: 31227806). This variant has not been reported in a large population database, indicating this variant is rare. An alternate missense variant affecting the same amino acid (p.Cys2592Ser) has been reported in an individual with Marfan syndrome (Arbustini et al. 2005. PubMed ID: 16222657). Missense variants in FBN1 that create or destroy a cysteine residue are documented to cause Marfan syndrome (Deitz, 1993. PubMed ID: 20301510; Comeglio et al. 2007. PubMed ID: 17657824; Stheneur et al. 2009. PubMed ID: 19293843). Taken together, the c.7775G>A (p.Cys2592Tyr) variant is interpreted as likely pathogenic.

Literature cited by the submitters: PubMed 16222657 (cited by Labcorp Genetics (formerly Invitae), Labcorp); PubMed 31730815 (cited by Labcorp Genetics (formerly Invitae), Labcorp); PubMed 16905551 (cited by Labcorp Genetics (formerly Invitae), Labcorp); PubMed 19349279 (cited by Labcorp Genetics (formerly Invitae), Labcorp); PubMed 16571647 (cited by Labcorp Genetics (formerly Invitae), Labcorp); PubMed 17701892 (cited by Labcorp Genetics (formerly Invitae), Labcorp); PubMed 31227806 (cited by Ambry Genetics).

NM_000138.5(FBN1):c.7775G>A (p.Cys2592Tyr)

Gene: FBN1 (fibrillin 1; minus strand). Cytogenetic location: 15q21.1.
Variant type: single nucleotide variant.
Coding change: c.7775G>A on transcript NM_000138.5 (MANE Select); coding-DNA position 7775, G replaced by A.
Protein change: p.Cys2592Tyr; replaces cysteine 2592 with tyrosine.
Molecular consequence: missense variant.
Genome position (GRCh38, 1-based): chr15:48,420,731, C>T on the plus strand (G>A on the coding strand, the complement: FBN1 is on the minus strand). VCF-style: chr15-48420731-C-T. GRCh37 (hg19) VCF-style: chr15-48712928-C-T.
Other names: p.C2592Y:TGC>TAC; short protein forms C2592Y.
Identifiers: ClinVar variation 200120 (VCV000200120.13), dbSNP rs112118237, ClinGen allele CA017362.